The following is an entry in ClinVar:

NM_002691.4(POLD1):c.1893C>G (p.Gly631=)

Gene: POLD1 (DNA polymerase delta 1, catalytic subunit; plus strand). Cytogenetic location: 19q13.33.
Variant type: single nucleotide variant.
Coding change: c.1893C>G on transcript NM_002691.4 (MANE Select); coding-DNA position 1893, C replaced by G.
Protein change: p.Gly631=; no amino-acid change (glycine 631 retained).
Molecular consequence: synonymous variant. On other transcripts: non-coding transcript variant (1).
Genome position (GRCh38, 1-based): chr19:50,409,122, C>G. VCF-style: chr19-50409122-C-G. GRCh37 (hg19) VCF-style: chr19-50912379-C-G.
Other names: c.1893C>G, p.Gly631= (NM_001256849.1); c.1971C>G, p.Gly657= (NM_001308632.1).
Identifiers: ClinVar variation 512686 (VCV000512686.42), dbSNP rs774216194, ClinGen allele CA9596323.

ClinVar aggregate classification (germline): Likely benign. Review status: criteria provided, multiple submitters, no conflicts (2 of 4 stars). 4 submissions from 4 submitters: Likely benign (4). Last evaluated 2026-01-13.

Conditions:
Hereditary cancer-predisposing syndrome. Also called: Neoplastic Syndromes, Hereditary; Hereditary Cancer Syndrome; Tumor predisposition; Hereditary neoplastic syndrome. Identifiers: Orphanet 140162, MedGen C0027672, MeSH D009386, MONDO:0015356.
POLD1-related polyposis and colorectal cancer syndrome (CRCS10). Also called: Colorectal cancer 10; Colorectal cancer, susceptibility to, 10; COLORECTAL CANCER, SUSCEPTIBILITY TO, ON CHROMOSOME 19q. Identifiers: Orphanet 220460, MedGen C2675481, MONDO:0012953, OMIM 612591.

Allele frequency attached by ClinVar (database versions not stated): ExAC 0.00001.

Submissions (4):

Labcorp Genetics (formerly Invitae), Labcorp
Classification: Likely benign for POLD1-related polyposis and colorectal cancer syndrome. Last evaluated: 2026-01-13. Review status: criteria provided, single submitter. Criteria: Invitae Variant Classification Sherloc (09022015). Collection method: clinical testing. Allele origin: germline.

CeGaT Center for Human Genetics Tuebingen
Classification: Likely benign. Last evaluated: 2023-03-01. Review status: criteria provided, single submitter. Criteria: CeGaT Center For Human Genetics Tuebingen Variant Classification Criteria Version 2. Collection method: clinical testing. Allele origin: germline. Affected: yes. Observed: 1 variant allele.
Comment: POLD1: BP4, BP7

GeneDx
Classification: Likely benign. Last evaluated: 2020-11-24. Review status: criteria provided, single submitter. Criteria: GeneDx Variant Classification Process June 2021. Collection method: clinical testing. Allele origin: germline. Affected: yes.

Ambry Genetics
Classification: Likely benign for Hereditary cancer-predisposing syndrome. Last evaluated: 2015-09-14. Review status: criteria provided, single submitter. Criteria: Ambry Variant Classification Scheme 2023. Collection method: clinical testing. Allele origin: germline.